The following is an entry in ClinVar:

ClinVar aggregate classification (germline): Uncertain significance (1 of 4 stars; one submission).

Conditions:
Oocyte/zygote/embryo maturation arrest 25. Identifiers: MedGen C6065949, MONDO:0980964, OMIM 621471.
Hydatidiform mole, recurrent, 1 (HYDM1). Identifiers: Orphanet 254688, Orphanet 99927, MedGen C3463897, MONDO:0009273, OMIM 231090. Disease mechanism: loss of function.

Submission:

Juno Genomics, Hangzhou Juno Genomics, Inc
Classification: Uncertain significance for Oocyte/zygote/embryo maturation arrest 25; Hydatidiform mole, recurrent, 1. Review status: criteria provided, single submitter. Criteria: ACMG Guidelines, 2015. Collection method: clinical testing. Allele origin: germline. Affected: yes.
Comment: Protein length changes due to in-frame deletions/insertions in a non-repeat region or stop-loss variants.;Patient's phenotype or family history is highly specific for a disease with a single genetic etiology.

NM_001127255.2(NLRP7):c.1460delinsAGGA (p.Gly487delinsGluGlu)

Gene: NLRP7 (NLR family pyrin domain containing 7; minus strand). Cytogenetic location: 19q13.42.
Variant type: Indel.
Coding change: c.1460delinsAGGA on transcript NM_001127255.2 (MANE Select); coding-DNA position 1460, G replaced by AGGA.
Protein change: p.Gly487delinsGluGlu.
Molecular consequence: inframe indel.
Genome position (GRCh38, 1-based): chr19:54,939,359, C replaced by TCCT on the plus strand (G replaced by AGGA on the coding strand, the reverse complement: NLRP7 is on the minus strand). VCF-style: chr19-54939359-C-TCCT. GRCh37 (hg19) VCF-style: chr19-55450727-C-TCCT.
Other names: c.1460delinsAGGA, p.Gly487delinsGluGlu (NM_001405531.1, NM_139176.4, NM_206828.4).
Identifiers: ClinVar variation 5037964 (VCV005037964.1).